The following is an entry in ClinVar:

ClinVar aggregate classification (germline): Benign. Review status: criteria provided, single submitter (1 of 4 stars). 2 submissions from 2 submitters: Benign (1). 1 of the submissions does not count toward it. Last evaluated 2026-01-31.

Conditions:
Familial infantile myasthenia (CMS6). Also called: MYASTHENIC SYNDROME, PRESYNAPTIC, CONGENITAL, ASSOCIATED WITH EPISODIC APNEA; MYASTHENIC SYNDROME, CONGENITAL, 6, PRESYNAPTIC; Congenital myasthenic syndrome type 6. Identifiers: Orphanet 590, MedGen C0393929, MONDO:0009689, OMIM 254210.
CHAT-related disorder. Also called: CHAT-related condition.

Allele frequency attached by ClinVar (database versions not stated): gnomAD exomes 0.00017 and 0.00039; ExAC 0.00049; 1000 Genomes Project 0.00060; 1000 Genomes Project 30x 0.00062; gnomAD 0.00156 and 0.00176; ESP Exome Variant Server 0.00161; TOPMed 0.00217.
gnomAD v4.1: 495 of 1,610,814 alleles (0.031%); highest among the groups gnomAD compares: African/African-American, 0.59%; no homozygotes.

Submissions (2):

Labcorp Genetics (formerly Invitae), Labcorp
Classification: Benign for Familial infantile myasthenia. Last evaluated: 2026-01-31. Review status: criteria provided, single submitter. Criteria: Invitae Variant Classification Sherloc (09022015). Collection method: clinical testing. Allele origin: germline.

PreventionGenetics, part of Exact Sciences
Classification: Likely benign for CHAT-related condition. Last evaluated: 2019-11-25. Review status: no assertion criteria provided. Collection method: clinical testing. Allele origin: germline. Not counted in ClinVar's aggregate classification.
Comment: This variant is classified as likely benign based on ACMG/AMP sequence variant interpretation guidelines (Richards et al. 2015 PMID: 25741868, with internal and published modifications).

NM_020549.5(CHAT):c.576C>T (p.Asn192=)

Gene: CHAT (choline O-acetyltransferase; plus strand). Cytogenetic location: 10q11.23.
Variant type: single nucleotide variant.
Coding change: c.576C>T on transcript NM_020549.5 (MANE Select); coding-DNA position 576, C replaced by T.
Protein change: p.Asn192=; no amino-acid change (asparagine 192 retained).
Molecular consequence: synonymous variant.
Genome position (GRCh38, 1-based): chr10:49,619,913, C>T. VCF-style: chr10-49619913-C-T. GRCh37 (hg19) VCF-style: chr10-50827959-C-T.
Other names: c.222C>T, p.Asn74= (NM_001142929.2, NM_001142934.2, NM_020984.4 and 2 more transcripts); c.330C>T, p.Asn110= (NM_001142933.2).
Identifiers: ClinVar variation 461460 (VCV000461460.14), dbSNP rs150236872, ClinGen allele CA5497177.